The following is an entry in ClinVar:

NM_001080467.3(MYO5B):c.4315+9G>T

Genes: MYO5B (myosin VB; minus strand), SNHG22 (small nucleolar RNA host gene 22; plus strand), LOC126862745 (MED14-independent group 3 enhancer GRCh37_chr18:47375491-47376690; plus strand). Cytogenetic location: 18q21.1.
Variant type: single nucleotide variant.
Coding change: c.4315+9G>T on transcript NM_001080467.3 (MANE Select); 9 bases into the intron after coding-DNA position 4315, G replaced by T.
Molecular consequence: intron variant.
Genome position (GRCh38, 1-based): chr18:49,849,558, C>A on the plus strand (G>T on the coding strand, the complement: MYO5B is on the minus strand). VCF-style: chr18-49849558-C-A. GRCh37 (hg19) VCF-style: chr18-47375928-C-A.
Other names: p.?.
Identifiers: ClinVar variation 327013 (VCV000327013.17), dbSNP rs113660613, ClinGen allele CA8960407.

ClinVar aggregate classification (germline): Benign. Review status: criteria provided, multiple submitters, no conflicts (2 of 4 stars). 4 submissions from 4 submitters: Benign (4). Last evaluated 2026-02-02.

Conditions:
Congenital microvillous atrophy (DIAR2). Also called: DAVIDSON DISEASE; MICROVILLUS ATROPHY, CONGENITAL; Microvillus inclusion disease; Diarrhea 2 with microvillus atrophy, with or without cholestasis; CONGENITAL FAMILIAL PROTRACTED DIARRHEA WITH ENTEROCYTE BRUSH-BORDER ABNORMALITIES. Identifiers: Orphanet 2290, MedGen C0341306, MONDO:0009635, OMIM 251850.

Allele frequency attached by ClinVar (database versions not stated): gnomAD 0.00392; 1000 Genomes Project 30x 0.00437; ESP Exome Variant Server 0.00465; 1000 Genomes Project 0.00519; TOPMed 0.00566.
gnomAD v4.1: 2,948 of 1,595,676 alleles (0.18%); highest among the groups gnomAD compares: African/African-American, 1.3%; 17 homozygotes.

Submissions (4):

Labcorp Genetics (formerly Invitae), Labcorp
Classification: Benign. Last evaluated: 2026-02-02. Review status: criteria provided, single submitter. Criteria: Invitae Variant Classification Sherloc (09022015). Collection method: clinical testing. Allele origin: germline.

Mayo Clinic Laboratories, Mayo Clinic
Classification: Benign. Last evaluated: 2025-05-28. Review status: criteria provided, single submitter. Criteria: ACMG Guidelines, 2015. Collection method: clinical testing. Allele origin: germline. Observed: 1 variant allele.
Comment: BS1, BS2, BP4, BP7

Illumina Laboratory Services, Illumina
Classification: Benign for Congenital microvillous atrophy. Last evaluated: 2018-01-13. Review status: criteria provided, single submitter. Criteria: ICSL Variant Classification Criteria 13 December 2019. Collection method: clinical testing. Allele origin: germline.
Comment: This variant was observed in the ICSL laboratory as part of a predisposition screen in an ostensibly healthy population. It had not been previously curated by ICSL or reported in the Human Gene Mutation Database (HGMD: prior to June 1st, 2018), and was therefore a candidate for classification through an automated scoring system. Utilizing variant allele frequency, disease prevalence and penetrance estimates, and inheritance mode, an automated score was calculated to assess if this variant is too frequent to cause the disease. Based on the score and internal cut-off values, a variant classified as benign is not then subjected to further curation. The score for this variant resulted in a classification of benign for this disease.

Breakthrough Genomics
Classification: Benign. Review status: criteria provided, single submitter. Criteria: ACMG Guidelines, 2015. Collection method: not provided. Allele origin: germline. Inheritance: Autosomal recessive inheritance. Affected: yes.